The following is an entry in ClinVar:

ClinVar aggregate classification (germline): Uncertain significance. Review status: criteria provided, multiple submitters, no conflicts (2 of 4 stars). 2 submissions from 2 submitters: Uncertain significance (2). Last evaluated 2022-05-24.

Conditions:
Hereditary cancer-predisposing syndrome. Also called: Neoplastic Syndromes, Hereditary; Tumor predisposition; Hereditary Cancer Syndrome; Hereditary neoplastic syndrome. Identifiers: Orphanet 140162, MedGen C0027672, MeSH D009386, MONDO:0015356.

Submissions (2):

Labcorp Genetics (formerly Invitae), Labcorp
Classification: Uncertain significance for Hereditary cancer-predisposing syndrome. Last evaluated: 2022-05-24. Review status: criteria provided, single submitter. Criteria: Invitae Variant Classification Sherloc (09022015). Collection method: clinical testing. Allele origin: germline.
Comment: This sequence change replaces asparagine, which is neutral and polar, with serine, which is neutral and polar, at codon 953 of the RAD50 protein (p.Asn953Ser). This variant is not present in population databases (gnomAD no frequency). This variant has not been reported in the literature in individuals affected with RAD50-related conditions. ClinVar contains an entry for this variant (Variation ID: 484676). Algorithms developed to predict the effect of missense changes on protein structure and function (SIFT, PolyPhen-2, Align-GVGD) all suggest that this variant is likely to be tolerated. In summary, the available evidence is currently insufficient to determine the role of this variant in disease. Therefore, it has been classified as a Variant of Uncertain Significance.

Ambry Genetics
Classification: Uncertain significance for Hereditary cancer-predisposing syndrome. Last evaluated: 2016-10-18. Review status: criteria provided, single submitter. Criteria: Ambry Variant Classification Scheme 2023. Collection method: clinical testing. Allele origin: germline.
Comment: The p.N953S variant (also known as c.2858A>G), located in coding exon 18 of the RAD50 gene, results from an A to G substitution at nucleotide position 2858. The asparagine at codon 953 is replaced by serine, an amino acid with highly similar properties. This variant was not reported in population based cohorts in the following databases: Database of Single Nucleotide Polymorphisms (dbSNP), NHLBI Exome Sequencing Project (ESP), and 1000 Genomes Project. In the ESP, this variant was not observed in 6324 samples (12648 alleles) with coverage at this position. To date, this alteration has been detected with an allele frequency of approximately 0.001% (greater than 175000 alleles tested) in our clinical cohort. This amino acid position is not well conserved in available vertebrate species. In addition, this alteration is predicted to be tolerated by in silico analysis. Since supporting evidence is limited at this time, the clinical significance of this alteration remains unclear.

NM_005732.4(RAD50):c.2858A>G (p.Asn953Ser)

Gene: RAD50 (RAD50 double strand break repair protein; plus strand). Cytogenetic location: 5q31.1.
Variant type: single nucleotide variant.
Coding change: c.2858A>G on transcript NM_005732.4 (MANE Select); coding-DNA position 2858, A replaced by G.
Protein change: p.Asn953Ser; replaces asparagine 953 with serine.
Molecular consequence: missense variant.
Genome position (GRCh38, 1-based): chr5:132,609,145, A>G. VCF-style: chr5-132609145-A-G. GRCh37 (hg19) VCF-style: chr5-131944837-A-G.
Other names: short protein forms N953S.
Identifiers: ClinVar variation 484676 (VCV000484676.13), dbSNP rs1554099362, ClinGen allele CA360959537.
Genomic context (GRCh38, chr5:132,609,145, plus strand): 5'-CCAGTGTAAATTTAATGAATATTTTTCTACAGCTGAATGATATTAAAGAGAAGGTTAAAA[A>G]TATTCATGGCTATATGAAAGACATTGAGAATTATATTCAAGATGGGAAAGACGACTATAA-3'
Protein context (NP_005723.2, residues 943-963): KLNDIKEKVK[Asn953Ser]IHGYMKDIEN